The following is an entry in ClinVar:

NM_004415.4(DSP):c.4368G>A (p.Gln1456=)

Gene: DSP (desmoplakin; plus strand). Cytogenetic location: 6p24.3.
Variant type: single nucleotide variant.
Coding change: c.4368G>A on transcript NM_004415.4 (MANE Select); coding-DNA position 4368, G replaced by A.
Protein change: p.Gln1456=; no amino-acid change (glutamine 1456 retained).
Molecular consequence: synonymous variant. On other transcripts: intron variant (2).
Genome position (GRCh38, 1-based): chr6:7,580,558, G>A. VCF-style: chr6-7580558-G-A. GRCh37 (hg19) VCF-style: chr6-7580791-G-A.
Other names: c.4050+318G>A (NM_001319034.2); c.3582+786G>A (NM_001008844.3).
Identifiers: ClinVar variation 3071416 (VCV003071416.1), dbSNP rs2533928411, ClinGen allele CA448714782.

ClinVar aggregate classification (germline): Likely benign (1 of 4 stars; one submission).

Conditions:
Arrhythmogenic cardiomyopathy with wooly hair and keratoderma. Also called: PALMOPLANTAR KERATODERMA WITH LEFT VENTRICULAR CARDIOMYOPATHY AND WOOLLY HAIR; Carvajal syndrome; Dilated cardiomyopathy with woolly hair and keratoderma; Arrhythmogenic cardiomyopathy with woolly hair and keratoderma. Identifiers: Orphanet 65282, MedGen C1854063, MONDO:0011581, OMIM 605676.

Allele frequency attached by ClinVar (database versions not stated): gnomAD exomes below 0.00001.

Submission:

All of Us Research Program, National Institutes of Health
Classification: Likely benign for Arrhythmogenic cardiomyopathy with wooly hair and keratoderma. Last evaluated: 2023-05-30. Review status: criteria provided, single submitter. Criteria: ACMG Guidelines, 2015. Collection method: clinical testing. Allele origin: germline. Inheritance: Autosomal dominant inheritance. Observed: 1 variant allele, 1 heterozygote.
Comment: This study involves interpretation of variants in research participants for the purpose of population health screening. Participant phenotype was not available at the time of variant classification. Additional details can be found in publication PMID: 35346344, PMCID: PMC8962531